The following is an entry in ClinVar:

ClinVar aggregate classification (germline): Uncertain significance (1 of 4 stars; one submission).

Conditions:
PLXNA1-related disorder. Also called: PLXNA1-related condition.

gnomAD v4.1: 4 of 1,613,604 alleles (0.00025%); highest among the groups gnomAD compares: Non-Finnish European, 0.00034%; no homozygotes.

Submission:

PreventionGenetics, part of Exact Sciences
Classification: Uncertain significance for PLXNA1-related condition. Last evaluated: 2026-06-26. Review status: criteria provided, single submitter. Criteria: ACMG Guidelines, 2015. Collection method: clinical testing. Allele origin: germline.
Comment: The PLXNA1 c.4870G>A variant is predicted to result in the amino acid substitution p.Glu1624Lys. To our knowledge, this variant has not been reported in the literature. This variant is reported in 0.00088% of alleles in individuals of European (Non-Finnish) descent in gnomAD. At this time, the clinical significance of this variant is uncertain due to the absence of conclusive functional and genetic evidence.

NM_032242.4(PLXNA1):c.4870G>A (p.Glu1624Lys)

Gene: PLXNA1 (plexin A1; plus strand). Cytogenetic location: 3q21.3.
Variant type: single nucleotide variant.
Coding change: c.4870G>A on transcript NM_032242.4 (MANE Select); coding-DNA position 4870, G replaced by A.
Protein change: p.Glu1624Lys; replaces glutamic acid 1624 with lysine.
Molecular consequence: missense variant.
Genome position (GRCh38, 1-based): chr3:127,029,536, G>A. VCF-style: chr3-127029536-G-A. GRCh37 (hg19) VCF-style: chr3-126748379-G-A.
Other names: short protein forms E1624K.
Identifiers: ClinVar variation 4996143 (VCV004996143.1).